The following is an entry in ClinVar:

ClinVar aggregate classification (germline): Likely benign (1 of 4 stars; one submission).

Allele frequency attached by ClinVar (database versions not stated): 1000 Genomes Project 0.00080; ExAC 0.00450.

Submission:

CeGaT Center for Human Genetics Tuebingen
Classification: Likely benign. Last evaluated: 2022-05-01. Review status: criteria provided, single submitter. Criteria: CeGaT Center For Human Genetics Tuebingen Variant Classification Criteria Version 2. Collection method: clinical testing. Allele origin: germline. Affected: yes. Observed: 1 variant allele.
Comment: GGT2P: BS2

NR_172944.1(GGT2):n.1984G>A

Gene: GGT2 (gamma-glutamyltransferase 2; minus strand). Cytogenetic location: 22q11.21.
Variant type: single nucleotide variant.
Molecular consequence: non-coding transcript variant (on NR_172944.1).
Genome position: GRCh38 VCF-style: chr22-21209102-C-T. GRCh37 (hg19) VCF-style: chr22-21563391-C-T.
Identifiers: ClinVar variation 2652938 (VCV002652938.23), dbSNP rs532427712, ClinGen allele CA10121327.